The following is an entry in ClinVar:

NM_000574.5(CD55):c.171G>C (p.Glu57Asp)

Gene: CD55 (CD55 molecule (Cromer blood group); plus strand). Cytogenetic location: 1q32.2.
Variant type: single nucleotide variant.
Coding change: c.171G>C on transcript NM_000574.5 (MANE Select); coding-DNA position 171, G replaced by C.
Protein change: p.Glu57Asp; replaces glutamic acid 57 with aspartic acid.
Molecular consequence: missense variant. On other transcripts: non-coding transcript variant (1).
Genome position (GRCh38, 1-based): chr1:207,322,452, G>C. VCF-style: chr1-207322452-G-C. GRCh37 (hg19) VCF-style: chr1-207495797-G-C.
Other names: c.171G>C, p.Glu57Asp (NM_001114752.3, NM_001300902.2, NM_001300903.2 and 1 more transcripts); short protein forms E57D.
Identifiers: ClinVar variation 1498353 (VCV001498353.5), dbSNP rs757303688, ClinGen allele CA1367918.
Genomic context (GRCh38, chr1:207,322,452, plus strand): 5'-CCTTCCCCCAGATGTACCTAATGCCCAGCCAGCTTTGGAAGGCCGTACAAGTTTTCCCGA[G>C]GATACTGTAATAACGTACAAATGTGAAGAAAGCTTTGTGAAAATTCCTGGCGAGAAGGAC-3'
Protein context (NP_000565.1, residues 47-67): PALEGRTSFP[Glu57Asp]DTVITYKCEE

ClinVar aggregate classification (germline): Uncertain significance (1 of 4 stars; one submission).

Allele frequency attached by ClinVar (database versions not stated): ExAC 0.00001; gnomAD 0.00001; gnomAD exomes 0.00001 and 0.00002; TOPMed 0.00001.
gnomAD v4.1: 31 of 1,614,080 alleles (0.0019%); highest among the groups gnomAD compares: Non-Finnish European, 0.0025%; no homozygotes.

Submission:

Labcorp Genetics (formerly Invitae), Labcorp
Classification: Uncertain significance. Last evaluated: 2021-12-18. Review status: criteria provided, single submitter. Criteria: Invitae Variant Classification Sherloc (09022015). Collection method: clinical testing. Allele origin: germline.
Comment: In summary, the available evidence is currently insufficient to determine the role of this variant in disease. Therefore, it has been classified as a Variant of Uncertain Significance. Algorithms developed to predict the effect of missense changes on protein structure and function (SIFT, PolyPhen-2, Align-GVGD) all suggest that this variant is likely to be tolerated. This variant has not been reported in the literature in individuals affected with CD55-related conditions. This variant is present in population databases (rs757303688, gnomAD 0.002%). This sequence change replaces glutamic acid, which is acidic and polar, with aspartic acid, which is acidic and polar, at codon 57 of the CD55 protein (p.Glu57Asp).